The following is an entry in ClinVar:

ClinVar aggregate classification (germline): Likely pathogenic (1 of 4 stars; one submission).

Allele frequency attached by ClinVar (database versions not stated): gnomAD exomes below 0.00001.
gnomAD v4.1: 1 of 1,613,812 alleles (0.000062%); highest among the groups gnomAD compares: Non-Finnish European, 0.000085%; no homozygotes.

Submission:

Labcorp Genetics (formerly Invitae), Labcorp
Classification: Likely pathogenic. Last evaluated: 2024-10-08. Review status: criteria provided, single submitter. Criteria: Invitae Variant Classification Sherloc (09022015). Collection method: clinical testing. Allele origin: germline.
Comment: This sequence change affects an acceptor splice site in intron 16 of the TTLL5 gene. It is expected to disrupt RNA splicing. Variants that disrupt the donor or acceptor splice site typically lead to a loss of protein function (PMID: 16199547), and loss-of-function variants in TTLL5 are known to be pathogenic (PMID: 24791901, 27162334). This variant is present in population databases (no rsID available, gnomAD 0.0009%). This variant has not been reported in the literature in individuals affected with TTLL5-related conditions. ClinVar contains an entry for this variant (Variation ID: 1966062). Algorithms developed to predict the effect of sequence changes on RNA splicing suggest that this variant may disrupt the consensus splice site. In summary, the currently available evidence indicates that the variant is pathogenic, but additional data are needed to prove that conclusively. Therefore, this variant has been classified as Likely Pathogenic.

Literature cited by the submitters: PubMed 16199547; PubMed 24791901; PubMed 27162334.

NM_015072.5(TTLL5):c.1396-1G>C

Gene: TTLL5 (tubulin tyrosine ligase like 5; plus strand). Cytogenetic location: 14q24.3.
Variant type: single nucleotide variant.
Coding change: c.1396-1G>C on transcript NM_015072.5 (MANE Select); the canonical splice acceptor site of the intron before coding-DNA position 1396, G replaced by C.
Molecular consequence: splice acceptor variant.
Genome position (GRCh38, 1-based): chr14:75,745,489, G>C. VCF-style: chr14-75745489-G-C. GRCh37 (hg19) VCF-style: chr14-76211832-G-C.
Identifiers: ClinVar variation 1966062 (VCV001966062.5), dbSNP rs1192053295, ClinGen allele CA390465503.